The following is an entry in ClinVar:

ClinVar aggregate classification (germline): Likely pathogenic. Review status: criteria provided, multiple submitters, no conflicts (2 of 4 stars). 2 submissions from 2 submitters: Likely pathogenic (2). Last evaluated 2024-02-19.

Conditions:
Sandhoff disease. Also called: GM2-GANGLIOSIDOSIS, TYPE II; HEXOSAMINIDASES A AND B DEFICIENCY; Beta-hexosaminidase-beta-subunit deficiency; GM2 gangliosidosis, type 2; Total hexosaminidase deficiency; Sandhoff-Jatzkewitz-Pilz disease. Identifiers: Orphanet 796, MedGen C0036161, MONDO:0010006, OMIM 268800.

Submissions (2):

Fulgent Genetics
Classification: Likely pathogenic for Sandhoff disease. Last evaluated: 2024-02-19. Review status: criteria provided, single submitter. Criteria: ACMG Guidelines, 2015. Collection method: clinical testing. Allele origin: germline.

Juno Genomics, Hangzhou Juno Genomics, Inc
Classification: Likely pathogenic for Sandhoff disease. Review status: criteria provided, single submitter. Criteria: ACMG Guidelines, 2015. Collection method: clinical testing. Allele origin: germline.
Comment: Null variant in a gene where loss of function (LOF) is a known mechanism of disease.;Absent from controls (or at extremely low frequency if recessive) in Genome Aggregation Database.

NM_000521.4(HEXB):c.901+1dup

Gene: HEXB (hexosaminidase subunit beta; plus strand). Cytogenetic location: 5q13.3.
Variant type: Duplication.
Coding change: c.901+1dup on transcript NM_000521.4 (MANE Select); the canonical splice donor site of the intron after coding-DNA position 901, one base duplicated (G; older notation c.901+1dupG).
Molecular consequence: splice donor variant.
Genome position (GRCh38, 1-based): chr5:74,713,636, G duplicated; the last of 2 consecutive G bases (chr5:74,713,635-74,713,636); duplicating either gives the same sequence. VCF-style (leftmost placement, unchanged base first): chr5-74713634-A-AG. GRCh37 (hg19) VCF-style: chr5-74009459-A-AG.
Other names: c.226+1dup (NM_001292004.2).
Identifiers: ClinVar variation 3592759 (VCV003592759.3).
Genomic context (GRCh38, chr5:74,713,634, plus strand): 5'-ACGAGGAATTCGAGTCCTGCCAGAATTTGATACCCCTGGGCATACACTATCTTGGGGAAA[A>AG]GGTAAGGAGTTGTATTTTATTTCATTTTATCTTATTTTTTATTTTTTGAGATGGAGTCTT-3'